The following is an entry in ClinVar:

NC_000015.9:g.(?_100794321)_(100882104_?)del

Gene: ADAMTS17 (ADAM metallopeptidase with thrombospondin type 1 motif 17; minus strand). Cytogenetic location: 15q26.3.
Variant type: Deletion.
Identifiers: ClinVar variation 3243913 (VCV003243913.1).

ClinVar aggregate classification (germline): Pathogenic (1 of 4 stars; one submission).

Submission:

Labcorp Genetics (formerly Invitae), Labcorp
Classification: Pathogenic. Last evaluated: 2023-03-27. Review status: criteria provided, single submitter. Criteria: Invitae Variant Classification Sherloc (09022015). Collection method: clinical testing. Allele origin: unknown.
Comment: For these reasons, this variant has been classified as Pathogenic. This variant has not been reported in the literature in individuals affected with ADAMTS17-related conditions. This variant is a gross deletion of the genomic region encompassing exon(s) 1-7 of the ADAMTS17 gene, which includes the initiator codon. This deletion extends beyond the assayed region for this gene and therefore may encompass additional genes. It is expected to result in an absent or disrupted protein product. Loss-of-function variants in ADAMTS17 are known to be pathogenic (PMID: 19836009, 24940034).

Literature cited by the submitters: PubMed 19836009; PubMed 24940034.